The following is an entry in ClinVar:

NM_033380.3(COL4A5):c.412G>C (p.Gly138Arg)

Gene: COL4A5 (collagen type IV alpha 5 chain; plus strand). Cytogenetic location: Xq22.3.
Variant type: single nucleotide variant.
Coding change: c.412G>C on transcript NM_033380.3 (MANE Select); coding-DNA position 412, G replaced by C.
Protein change: p.Gly138Arg; replaces glycine 138 with arginine.
Molecular consequence: missense variant.
Genome position (GRCh38, 1-based): chrX:108,571,440, G>C. VCF-style: chrX-108571440-G-C. GRCh37 (hg19) VCF-style: chrX-107814670-G-C.
Other names: c.412G>C, p.Gly138Arg (NM_000495.5); short protein forms G138R.
Identifiers: ClinVar variation 4281540 (VCV004281540.8).
Genomic context (GRCh38, chrX:108,571,440, plus strand): 5'-TCCTCCATGCTCTTTATTTTTAACTCCTTCTAGGGAGAACGTGGATTTCCAGGCAGTCCC[G>C]GTTTTCCTGGTTTACAGGGTCCTCCAGTAAGTTATAAAATTTGGGATTATGATGAACACA-3'
Protein context (NP_203699.1, residues 128-148): KGERGFPGSP[Gly138Arg]FPGLQGPPGP

ClinVar aggregate classification (germline): Pathogenic/Likely pathogenic. Review status: criteria provided, multiple submitters, no conflicts (2 of 4 stars). 2 submissions from 2 submitters: Pathogenic (1); Likely pathogenic (1). Last evaluated 2025-12-01.

Submissions (2):

CeGaT Center for Human Genetics Tuebingen
Classification: Pathogenic. Last evaluated: 2025-12-01. Review status: criteria provided, single submitter. Criteria: CeGaT Center For Human Genetics Tuebingen Variant Classification Criteria Version 2. Collection method: clinical testing. Allele origin: germline. Affected: yes. Observed: 2 variant alleles.
Comment: COL4A5: PM1:Strong, PM2, PM5, PP3, PS4:Supporting

Labcorp Genetics (formerly Invitae), Labcorp
Classification: Likely pathogenic. Last evaluated: 2025-10-03. Review status: criteria provided, single submitter. Criteria: Invitae Variant Classification Sherloc (09022015). Collection method: clinical testing. Allele origin: germline.
Comment: This sequence change replaces glycine, which is neutral and non-polar, with arginine, which is basic and polar, at codon 138 of the COL4A5 protein (p.Gly138Arg). This variant is not present in population databases (gnomAD no frequency). This missense change has been observed in individual(s) with Alport syndrome (internal data). Invitae Evidence Modeling of protein sequence and biophysical properties (such as structural, functional, and spatial information, amino acid conservation, physicochemical variation, residue mobility, and thermodynamic stability) indicates that this missense variant is expected to disrupt COL4A5 protein function with a positive predictive value of 95%. This variant disrupts the triple helix domain of COL4A5. Glycine residues within the Gly-Xaa-Yaa repeats of the triple helix domain are required for the structure and stability of fibrillar collagens (PMID: 7695699, 8218237, 19344236). In COL4A5, missense variants at these glycine residues are significantly enriched in individuals with disease (PMID: 23720012, 27627812) compared to the general population (ExAC). This variant disrupts the p.Gly138 amino acid residue in COL4A5. Other variant(s) that disrupt this residue have been observed in individuals with COL4A5-related conditions (PMID: 24033287; internal data), which suggests that this may be a clinically significant amino acid residue. In summary, the currently available evidence indicates that the variant is pathogenic, but additional data are needed to prove that conclusively. Therefore, this variant has been classified as Likely Pathogenic.

Literature cited by the submitters: PubMed 7695699 (cited by Labcorp Genetics (formerly Invitae), Labcorp); PubMed 8218237 (cited by Labcorp Genetics (formerly Invitae), Labcorp); PubMed 19344236 (cited by Labcorp Genetics (formerly Invitae), Labcorp); PubMed 23720012 (cited by Labcorp Genetics (formerly Invitae), Labcorp); PubMed 27627812 (cited by Labcorp Genetics (formerly Invitae), Labcorp); PubMed 24033287 (cited by Labcorp Genetics (formerly Invitae), Labcorp).